The following is an entry in ClinVar:

ClinVar aggregate classification (germline): Likely benign (1 of 4 stars; one submission).

Submission:

CeGaT Center for Human Genetics Tuebingen
Classification: Likely benign. Last evaluated: 2026-06-01. Review status: criteria provided, single submitter. Criteria: CeGaT Center For Human Genetics Tuebingen Variant Classification Criteria Version 2. Collection method: clinical testing. Allele origin: germline. Affected: yes. Observed: 1 variant allele.
Comment: ATN1: PM4, BS1

NM_001940.4(ATN1):c.2448_2465dup (p.Glu824_Lys825insArgGluArgGluArgGlu)

Gene: ATN1 (atrophin 1; plus strand). Cytogenetic location: 12p13.31.
Variant type: Duplication.
Coding change: c.2448_2465dup on transcript NM_001940.4 (MANE Select); coding-DNA positions 2448 to 2465, 18 bases duplicated (GCGCGAGCGCGAGCGGGA).
Protein change: p.Glu824_Lys825insArgGluArgGluArgGlu.
Molecular consequence: inframe insertion.
Genome position (GRCh38, 1-based): chr12:6,937,998-6,938,015, GCGCGAGCGCGAGCGGGA duplicated; duplicating any 18 consecutive bases within chr12:6,937,995-6,938,015 gives the same sequence; the c. name uses the placement nearest the transcript's 3' end. VCF-style (leftmost placement, unchanged base first): chr12-6937994-A-AGGAGCGCGAGCGCGAGCG. GRCh37 (hg19) VCF-style: chr12-7047157-A-AGGAGCGCGAGCGCGAGCG.
Other names: c.2445_2462dup, p.Glu823_Lys824insArgGluArgGluArgGlu (NM_001424179.1, NM_001424180.1); c.2448_2465dup, p.Glu824_Lys825insArgGluArgGluArgGlu (NM_001007026.2, NM_001424176.1, NM_001424177.1 and 1 more transcripts).
Identifiers: ClinVar variation 4873424 (VCV004873424.2).